The following is an entry in ClinVar:

ClinVar aggregate classification (germline): Uncertain significance (1 of 4 stars; one submission).

Submission:

Labcorp Genetics (formerly Invitae), Labcorp
Classification: Uncertain significance. Last evaluated: 2025-12-30. Review status: criteria provided, single submitter. Criteria: Invitae Variant Classification Sherloc (09022015). Collection method: clinical testing. Allele origin: germline.
Comment: This sequence change falls in intron 8 of the FOXP1 gene. It does not directly change the encoded amino acid sequence of the FOXP1 protein. It affects a nucleotide within the consensus splice site. This variant is not present in population databases (gnomAD no frequency). This variant has not been reported in the literature in individuals affected with FOXP1-related conditions. Variants that disrupt the consensus splice site are a relatively common cause of aberrant splicing (PMID: 17576681, 9536098). Algorithms developed to predict the effect of sequence changes on RNA splicing suggest that this variant is not likely to affect RNA splicing. In summary, the available evidence is currently insufficient to determine the role of this variant in disease. Therefore, it has been classified as a Variant of Uncertain Significance.

Literature cited by the submitters: PubMed 17576681; PubMed 9536098.

NM_001349338.3(FOXP1):c.420+5T>C

Gene: FOXP1 (forkhead box P1; minus strand). Cytogenetic location: 3p13.
Variant type: single nucleotide variant.
Coding change: c.420+5T>C on transcript NM_001349338.3 (MANE Select); 5 bases into the intron after coding-DNA position 420, T replaced by C.
Molecular consequence: intron variant.
Genome position (GRCh38, 1-based): chr3:71,053,631, A>G on the plus strand (T>C on the coding strand, the complement: FOXP1 is on the minus strand). VCF-style: chr3-71053631-A-G. GRCh37 (hg19) VCF-style: chr3-71102782-A-G.
Other names: c.420+5T>C (NM_001244810.2, NM_032682.6, NM_001349340.3 and 4 more transcripts); c.283-6536T>C (NM_001244812.3); c.120+5T>C (NM_001349343.3, NM_001349342.3, NM_001349337.2 and 4 more transcripts).
Identifiers: ClinVar variation 4734397 (VCV004734397.1).
Genomic context (GRCh38, chr3:71,053,631, plus strand): 5'-AATGGAGTGATGGGGGCCCCTGGGTTCTGGGGGAGACAGGCTGGAGGTGGAGGAAGGACA[A>G]TTACCTGTTGAAGCATGAGGGCCTGCTGCTGCTGGAGGAGAACCTGGAGCTGCTGAGGGC-3'